The following is an entry in ClinVar:

ClinVar aggregate classification (germline): Pathogenic (1 of 4 stars; one submission).

Submission:

Labcorp Genetics (formerly Invitae), Labcorp
Classification: Pathogenic. Last evaluated: 2023-07-18. Review status: criteria provided, single submitter. Criteria: Invitae Variant Classification Sherloc (09022015). Collection method: clinical testing. Allele origin: germline.
Comment: This sequence change creates a premature translational stop signal (p.Gln680*) in the LAMC2 gene. It is expected to result in an absent or disrupted protein product. Loss-of-function variants in LAMC2 are known to be pathogenic (PMID: 11907499, 16473856). This variant is not present in population databases (gnomAD no frequency). This variant has not been reported in the literature in individuals affected with LAMC2-related conditions. For these reasons, this variant has been classified as Pathogenic.

Literature cited by the submitters: PubMed 11907499; PubMed 16473856.

NM_005562.3(LAMC2):c.2038C>T (p.Gln680Ter)

Gene: LAMC2 (laminin subunit gamma 2; plus strand). Cytogenetic location: 1q25.3.
Variant type: single nucleotide variant.
Coding change: c.2038C>T on transcript NM_005562.3 (MANE Select); coding-DNA position 2038, C replaced by T.
Protein change: p.Gln680Ter; replaces glutamine 680 with a stop codon.
Molecular consequence: nonsense.
Genome position (GRCh38, 1-based): chr1:183,232,675, C>T. VCF-style: chr1-183232675-C-T. GRCh37 (hg19) VCF-style: chr1-183201810-C-T.
Other names: c.2038C>T, p.Gln680Ter (NM_018891.3); short protein forms Q680*.
Identifiers: ClinVar variation 2744679 (VCV002744679.3), dbSNP rs2526091818, ClinGen allele CA343692914.